The following is an entry in ClinVar:

NM_018051.5(DYNC2I1):c.1084T>G (p.Leu362Val)

Gene: DYNC2I1 (dynein 2 intermediate chain 1; plus strand). Cytogenetic location: 7q36.3.
Variant type: single nucleotide variant.
Coding change: c.1084T>G on transcript NM_018051.5 (MANE Select); coding-DNA position 1084, T replaced by G.
Protein change: p.Leu362Val; replaces leucine 362 with valine.
Molecular consequence: missense variant. On other transcripts: 5 prime UTR variant (3).
Genome position (GRCh38, 1-based): chr7:158,901,763, T>G. VCF-style: chr7-158901763-T-G. GRCh37 (hg19) VCF-style: chr7-158694454-T-G.
Other names: c.946T>G, p.Leu316Val (NM_001350914.2); c.511T>G, p.Leu171Val (NM_001350915.2); c.-275T>G (NM_001350916.2); c.-283T>G (NM_001350917.2, NM_001350918.2); c.1084T>G (NM_018051.4); short protein forms L171V, L316V, L362V.
Identifiers: ClinVar variation 2081597 (VCV002081597.5), dbSNP rs115618657, ClinGen allele CA4594524.

ClinVar aggregate classification (germline): Uncertain significance. Review status: criteria provided, multiple submitters, no conflicts (2 of 4 stars). 2 submissions from 2 submitters: Uncertain significance (2). Last evaluated 2024-05-30.

Conditions:
Inborn genetic diseases. Identifiers: MedGen C0950123, MeSH D030342.
Short-rib thoracic dysplasia 8 with or without polydactyly (SRTD8). Also called: SHORT-RIB THORACIC DYSPLASIA 8 WITH POLYDACTYLY. Identifiers: Orphanet 93271, MedGen C3809691, MONDO:0014214, OMIM 615503.

Allele frequency attached by ClinVar (database versions not stated): gnomAD exomes 0.00001; ESP Exome Variant Server 0.00009; ExAC 0.00012; gnomAD 0.00017; 1000 Genomes Project 0.00020; TOPMed 0.00024; 1000 Genomes Project 30x 0.00031.
gnomAD v4.1: 47 of 1,581,208 alleles (0.003%); highest among the groups gnomAD compares: African/African-American, 0.047%; no homozygotes.

Submissions (2):

Ambry Genetics
Classification: Uncertain significance for Inborn genetic diseases. Last evaluated: 2024-05-30. Review status: criteria provided, single submitter. Criteria: Ambry Variant Classification Scheme 2023. Collection method: clinical testing. Allele origin: germline.

Labcorp Genetics (formerly Invitae), Labcorp
Classification: Uncertain significance for Short-rib thoracic dysplasia 8 with or without polydactyly. Last evaluated: 2023-01-08. Review status: criteria provided, single submitter. Criteria: Invitae Variant Classification Sherloc (09022015). Collection method: clinical testing. Allele origin: germline.
Comment: In summary, the available evidence is currently insufficient to determine the role of this variant in disease. Therefore, it has been classified as a Variant of Uncertain Significance. Algorithms developed to predict the effect of missense changes on protein structure and function output the following: SIFT: "Tolerated"; PolyPhen-2: "Possibly Damaging"; Align-GVGD: "Class C0". The valine amino acid residue is found in multiple mammalian species, which suggests that this missense change does not adversely affect protein function. This variant has not been reported in the literature in individuals affected with WDR60-related conditions. This variant is present in population databases (rs115618657, gnomAD 0.07%). This sequence change replaces leucine, which is neutral and non-polar, with valine, which is neutral and non-polar, at codon 362 of the WDR60 protein (p.Leu362Val).